The following is an entry in ClinVar:

ClinVar aggregate classification (germline): Conflicting classifications of pathogenicity. Review status: criteria provided, conflicting classifications (1 of 4 stars). 2 submissions from 2 submitters: Uncertain significance (1); Likely benign (1). Last evaluated 2025-10-27.

Conditions:
Cardiovascular phenotype. Identifiers: MedGen CN230736.
Long QT syndrome (LQTS). Identifiers: MedGen C0023976, MeSH D008133, MONDO:0002442. Disease mechanism: loss of function. Inheritance: Various modes of inheritance.

Allele frequency attached by ClinVar (database versions not stated): gnomAD exomes below 0.00001 and 0.00002; TOPMed below 0.00001; gnomAD 0.00001; ExAC 0.00002; 1000 Genomes Project 30x 0.00016; 1000 Genomes Project 0.00020.
gnomAD v4.1: 5 of 1,614,084 alleles (0.00031%); highest among the groups gnomAD compares: East Asian, 0.0089%; no homozygotes.

Submissions (2):

Labcorp Genetics (formerly Invitae), Labcorp
Classification: Uncertain significance for Long QT syndrome. Last evaluated: 2025-10-27. Review status: criteria provided, single submitter. Criteria: Invitae Variant Classification Sherloc (09022015). Collection method: clinical testing. Allele origin: germline.
Comment: This sequence change replaces threonine, which is neutral and polar, with alanine, which is neutral and non-polar, at codon 426 of the AKAP9 protein (p.Thr426Ala). This variant is present in population databases (rs199780481, gnomAD 0.02%). This variant has not been reported in the literature in individuals affected with AKAP9-related conditions. ClinVar contains an entry for this variant (Variation ID: 1515898). An algorithm developed to predict the effect of missense changes on protein structure and function outputs the following: PolyPhen-2: "Benign". The alanine amino acid residue is found in multiple mammalian species, which suggests that this missense change does not adversely affect protein function. In summary, the available evidence is currently insufficient to determine the role of this variant in disease. Therefore, it has been classified as a Variant of Uncertain Significance.

Ambry Genetics
Classification: Likely benign for Cardiovascular phenotype. Last evaluated: 2025-06-16. Review status: criteria provided, single submitter. Criteria: Ambry Variant Classification Scheme 2023. Collection method: clinical testing. Allele origin: germline.

NM_005751.5(AKAP9):c.1276A>G (p.Thr426Ala)

Gene: AKAP9 (A-kinase anchoring protein 9; plus strand). Cytogenetic location: 7q21.2.
Variant type: single nucleotide variant.
Coding change: c.1276A>G on transcript NM_005751.5 (MANE Select); coding-DNA position 1276, A replaced by G.
Protein change: p.Thr426Ala; replaces threonine 426 with alanine.
Molecular consequence: missense variant.
Genome position (GRCh38, 1-based): chr7:92,001,193, A>G. VCF-style: chr7-92001193-A-G. GRCh37 (hg19) VCF-style: chr7-91630507-A-G.
Other names: c.1276A>G, p.Thr426Ala (NM_147185.3); c.1276A>G (NM_005751.4); short protein forms T426A.
Identifiers: ClinVar variation 1515898 (VCV001515898.9), dbSNP rs199780481, ClinGen allele CA4335993.